The following is an entry in ClinVar:

ClinVar aggregate classification (germline): Uncertain significance (1 of 4 stars; one submission).

Allele frequency attached by ClinVar (database versions not stated): gnomAD exomes below 0.00001; gnomAD 0.00001.

Submission:

Labcorp Genetics (formerly Invitae), Labcorp
Classification: Uncertain significance. Last evaluated: 2021-07-12. Review status: criteria provided, single submitter. Criteria: Invitae Variant Classification Sherloc (09022015). Collection method: clinical testing. Allele origin: germline.
Comment: This sequence change replaces phenylalanine with leucine at codon 97 of the GCGR protein (p.Phe97Leu). The phenylalanine residue is highly conserved and there is a small physicochemical difference between phenylalanine and leucine. This variant is not present in population databases (ExAC no frequency). This variant has not been reported in the literature in individuals with GCGR-related conditions. Algorithms developed to predict the effect of missense changes on protein structure and function are either unavailable or do not agree on the potential impact of this missense change (SIFT: "Deleterious"; PolyPhen-2: "Possibly Damaging"; Align-GVGD: "Class C0"). In summary, the available evidence is currently insufficient to determine the role of this variant in disease. Therefore, it has been classified as a Variant of Uncertain Significance.

NM_000160.5(GCGR):c.289T>C (p.Phe97Leu)

Gene: GCGR (glucagon receptor; plus strand). Cytogenetic location: 17q25.3.
Variant type: single nucleotide variant.
Coding change: c.289T>C on transcript NM_000160.5 (MANE Select); coding-DNA position 289, T replaced by C.
Protein change: p.Phe97Leu; replaces phenylalanine 97 with leucine.
Molecular consequence: missense variant.
Genome position (GRCh38, 1-based): chr17:81,811,027, T>C. VCF-style: chr17-81811027-T-C. GRCh37 (hg19) VCF-style: chr17-79768903-T-C.
Other names: short protein forms F97L.
Identifiers: ClinVar variation 1400962 (VCV001400962.8), dbSNP rs2038084501, ClinGen allele CA401493167.